The following is an entry in ClinVar:

ClinVar aggregate classification (germline): Uncertain significance. Review status: criteria provided, multiple submitters, no conflicts (2 of 4 stars). 2 submissions from 2 submitters: Uncertain significance (2). Last evaluated 2025-05-19.

Conditions:
Hereditary cancer-predisposing syndrome. Also called: Neoplastic Syndromes, Hereditary; Tumor predisposition; Hereditary neoplastic syndrome; Hereditary Cancer Syndrome. Identifiers: Orphanet 140162, MedGen C0027672, MeSH D009386, MONDO:0015356.

gnomAD v4.1: 1 of 1,614,202 alleles (0.000062%); highest among the groups gnomAD compares: Non-Finnish European, 0.000085%; no homozygotes.

Submissions (2):

Ambry Genetics
Classification: Uncertain significance for Hereditary cancer-predisposing syndrome. Last evaluated: 2025-05-19. Review status: criteria provided, single submitter. Criteria: Ambry Variant Classification Scheme 2023. Collection method: clinical testing. Allele origin: germline.
Comment: The p.P165L variant (also known as c.494C>T), located in coding exon 1 of the HOXB13 gene, results from a C to T substitution at nucleotide position 494. The proline at codon 165 is replaced by leucine, an amino acid with similar properties. This amino acid position is conserved. In addition, this alteration is predicted to be deleterious by in silico analysis. Based on the available evidence, the clinical significance of this variant remains unclear.

Labcorp Genetics (formerly Invitae), Labcorp
Classification: Uncertain significance. Last evaluated: 2025-02-18. Review status: criteria provided, single submitter. Criteria: Invitae Variant Classification Sherloc (09022015). Collection method: clinical testing. Allele origin: germline.
Comment: This sequence change replaces proline, which is neutral and non-polar, with leucine, which is neutral and non-polar, at codon 165 of the HOXB13 protein (p.Pro165Leu). This variant is not present in population databases (gnomAD no frequency). This variant has not been reported in the literature in individuals affected with HOXB13-related conditions. Invitae Evidence Modeling of protein sequence and biophysical properties (such as structural, functional, and spatial information, amino acid conservation, physicochemical variation, residue mobility, and thermodynamic stability) indicates that this missense variant is not expected to disrupt HOXB13 protein function with a negative predictive value of 80%. In summary, the available evidence is currently insufficient to determine the role of this variant in disease. Therefore, it has been classified as a Variant of Uncertain Significance.

NM_006361.6(HOXB13):c.494C>T (p.Pro165Leu)

Gene: HOXB13 (homeobox B13; minus strand). Cytogenetic location: 17q21.32.
Variant type: single nucleotide variant.
Coding change: c.494C>T on transcript NM_006361.6 (MANE Select); coding-DNA position 494, C replaced by T.
Protein change: p.Pro165Leu; replaces proline 165 with leucine.
Molecular consequence: missense variant.
Genome position (GRCh38, 1-based): chr17:48,728,100, G>A on the plus strand (C>T on the coding strand, the complement: HOXB13 is on the minus strand). VCF-style: chr17-48728100-G-A. GRCh37 (hg19) VCF-style: chr17-46805462-G-A.
Other names: short protein forms P165L.
Identifiers: ClinVar variation 4035942 (VCV004035942.2).